The following is an entry in ClinVar:

NM_206933.4(USH2A):c.13940G>A (p.Gly4647Glu)

Gene: USH2A (usherin; minus strand). Cytogenetic location: 1q41.
Variant type: single nucleotide variant.
Coding change: c.13940G>A on transcript NM_206933.4 (MANE Select); coding-DNA position 13940, G replaced by A.
Protein change: p.Gly4647Glu; replaces glycine 4647 with glutamic acid.
Molecular consequence: missense variant.
Genome position (GRCh38, 1-based): chr1:215,671,165, C>T on the plus strand (G>A on the coding strand, the complement: USH2A is on the minus strand). VCF-style: chr1-215671165-C-T. GRCh37 (hg19) VCF-style: chr1-215844507-C-T.
Other names: short protein forms G4647E.
Identifiers: ClinVar variation 1964460 (VCV001964460.2), dbSNP rs1210072997, ClinGen allele CA344841152.

ClinVar aggregate classification (germline): Uncertain significance (1 of 4 stars; one submission).

Allele frequency attached by ClinVar (database versions not stated): gnomAD exomes below 0.00001; gnomAD 0.00001; TOPMed 0.00001.
gnomAD v4.1: 6 of 1,613,988 alleles (0.00037%); highest among the groups gnomAD compares: Non-Finnish European, 0.00042%; no homozygotes.

Submission:

Labcorp Genetics (formerly Invitae), Labcorp
Classification: Uncertain significance. Last evaluated: 2022-07-17. Review status: criteria provided, single submitter. Criteria: Invitae Variant Classification Sherloc (09022015). Collection method: clinical testing. Allele origin: germline.
Comment: This sequence change replaces glycine, which is neutral and non-polar, with glutamic acid, which is acidic and polar, at codon 4647 of the USH2A protein (p.Gly4647Glu). This variant is not present in population databases (gnomAD no frequency). This variant has not been reported in the literature in individuals affected with USH2A-related conditions. Algorithms developed to predict the effect of missense changes on protein structure and function output the following: SIFT: "Tolerated"; PolyPhen-2: "Benign"; Align-GVGD: "Class C0". The glutamic acid amino acid residue is found in multiple mammalian species, which suggests that this missense change does not adversely affect protein function. In summary, the available evidence is currently insufficient to determine the role of this variant in disease. Therefore, it has been classified as a Variant of Uncertain Significance.